The following is an entry in ClinVar:

ClinVar aggregate classification (germline): Pathogenic (1 of 4 stars; one submission).

Conditions:
Hereditary breast ovarian cancer syndrome. Also called: Hereditary breast and ovarian cancer; Breast and ovarian cancer; BRCA1- and BRCA2-Associated Hereditary Breast and Ovarian Cancer; Hereditary breast and/or ovarian cancer syndrome; Hereditary breast and ovarian cancer syndrome; Hereditary breast and ovarian cancer syndrome (HBOC). Identifiers: Orphanet 145, MedGen C0677776, MeSH D061325, MONDO:0003582. Disease mechanism: loss of function.

Submission:

Labcorp Genetics (formerly Invitae), Labcorp
Classification: Pathogenic for Hereditary breast ovarian cancer syndrome. Last evaluated: 2020-05-10. Review status: criteria provided, single submitter. Criteria: Invitae Variant Classification Sherloc (09022015). Collection method: clinical testing. Allele origin: germline.
Comment: For these reasons, this variant has been classified as Pathogenic. Loss-of-function variants in BRCA2 are known to be pathogenic (PMID: 20104584). This variant has not been reported in the literature in individuals with BRCA2-related conditions. This variant is not present in population databases (ExAC no frequency). This sequence change creates a premature translational stop signal (p.Lys1536Argfs*7) in the BRCA2 gene. It is expected to result in an absent or disrupted protein product.

Literature cited by the submitters: PubMed 20104584.

NM_000059.4(BRCA2):c.4607del (p.Lys1536fs)

Gene: BRCA2 (BRCA2 DNA repair associated; plus strand). Cytogenetic location: 13q13.1.
Variant type: Deletion.
Coding change: c.4607del on transcript NM_000059.4 (MANE Select); coding-DNA position 4607, one base deleted (A; older notation c.4607delA).
Protein change: p.Lys1536fs; shifts the reading frame from lysine 1536.
Molecular consequence: frameshift variant.
Genome position (GRCh38, 1-based): chr13:32,338,962, A deleted; the last of 3 consecutive A bases (chr13:32,338,960-32,338,962); deleting any one gives the same sequence. VCF-style (leftmost placement, unchanged base first): chr13-32338959-CA-C. GRCh37 (hg19) VCF-style: chr13-32913096-CA-C.
Other names: short protein forms K1536fs.
Identifiers: ClinVar variation 1075163 (VCV001075163.7), dbSNP rs2137508205, ClinGen allele CA2499222173.